The following is an entry in ClinVar:

NM_152564.5(VPS13B):c.541dup (p.Val181fs)

Gene: VPS13B (vacuolar protein sorting 13 homolog B; plus strand). Cytogenetic location: 8q22.2.
Variant type: Duplication.
Coding change: c.541dup on transcript NM_152564.5 (MANE Select); coding-DNA position 541, one base duplicated (G; older notation c.541dupG).
Protein change: p.Val181fs; shifts the reading frame from valine 181.
Molecular consequence: frameshift variant. On other transcripts: non-coding transcript variant (1).
Genome position (GRCh38, 1-based): chr8:99,103,081, G duplicated. VCF-style (leftmost placement, unchanged base first): chr8-99103080-A-AG. GRCh37 (hg19) VCF-style: chr8-100115308-A-AG.
Other names: c.541dup, p.Val181fs (NM_015243.3, NM_017890.5, NM_181661.3); short protein forms V181fs.
Identifiers: ClinVar variation 1996001 (VCV001996001.4), dbSNP rs2488637479, ClinGen allele CA2580079124.

ClinVar aggregate classification (germline): Pathogenic (1 of 4 stars; one submission).

Conditions:
Cohen syndrome (COH1). Also called: Cutis verticis gyrata, retinitis pigmentosa, and sensorineural deafness; PEPPER SYNDROME. Identifiers: Orphanet 193, MedGen C0265223, MONDO:0008999, OMIM 216550.

Submission:

Labcorp Genetics (formerly Invitae), Labcorp
Classification: Pathogenic for Cohen syndrome. Last evaluated: 2022-05-18. Review status: criteria provided, single submitter. Criteria: Invitae Variant Classification Sherloc (09022015). Collection method: clinical testing. Allele origin: germline.
Comment: This sequence change creates a premature translational stop signal (p.Val181Glyfs*3) in the VPS13B gene. It is expected to result in an absent or disrupted protein product. Loss-of-function variants in VPS13B are known to be pathogenic (PMID: 15141358, 16648375, 20461111). This variant is not present in population databases (gnomAD no frequency). This variant has not been reported in the literature in individuals affected with VPS13B-related conditions. Algorithms developed to predict the effect of sequence changes on RNA splicing suggest that this variant may disrupt the consensus splice site. For these reasons, this variant has been classified as Pathogenic.

Literature cited by the submitters: PubMed 15141358; PubMed 16648375; PubMed 20461111.